The following is an entry in ClinVar:

NM_001127222.2(CACNA1A):c.1337C>T (p.Ala446Val)

Gene: CACNA1A (calcium voltage-gated channel subunit alpha1 A; minus strand). Cytogenetic location: 19p13.13.
Variant type: single nucleotide variant.
Coding change: c.1337C>T on transcript NM_001127222.2 (MANE Select); coding-DNA position 1337, C replaced by T.
Protein change: p.Ala446Val; replaces alanine 446 with valine.
Molecular consequence: missense variant.
Genome position (GRCh38, 1-based): chr19:13,330,252, G>A on the plus strand (C>T on the coding strand, the complement: CACNA1A is on the minus strand). VCF-style: chr19-13330252-G-A. GRCh37 (hg19) VCF-style: chr19-13441066-G-A.
Other names: c.1340C>T, p.Ala447Val (NM_000068.4, NM_001127221.2, NM_001174080.2 and 1 more transcripts); short protein forms A447V, A446V.
Identifiers: ClinVar variation 1995835 (VCV001995835.4), dbSNP rs1224207213, ClinGen allele CA404346044.

ClinVar aggregate classification (germline): Uncertain significance (1 of 4 stars; one submission).

Conditions:
Episodic ataxia type 2 (EA2). Also called: ATAXIA, EPISODIC, WITH NYSTAGMUS; ATAXIA, FAMILIAL PAROXYSMAL; CEREBELLAR ATAXIA, PAROXYSMAL, ACETAZOLAMIDE-RESPONSIVE; CEREBELLOPATHY, HEREDITARY PAROXYSMAL; ACETAZOLAMIDE-RESPONSIVE HEREDITARY PAROXYSMAL CEREBELLAR ATAXIA; EPISODIC ATAXIA, NYSTAGMUS-ASSOCIATED. Identifiers: Orphanet 97, MedGen C1720416, MONDO:0007163, OMIM 108500.
Developmental and epileptic encephalopathy, 42 (DEE42A). Also called: EPILEPTIC ENCEPHALOPATHY, EARLY INFANTILE, 42A; Epileptic encephalopathy, early infantile, 42; DEVELOPMENTAL AND EPILEPTIC ENCEPHALOPATHY 42A. Identifiers: MedGen C4310716, MONDO:0014917, OMIM 617106.

Allele frequency attached by ClinVar (database versions not stated): gnomAD exomes below 0.00001.
gnomAD v4.1: 1 of 1,555,302 alleles (0.000064%); highest among the groups gnomAD compares: Non-Finnish European, 0.000087%; no homozygotes.

Submission:

Labcorp Genetics (formerly Invitae), Labcorp
Classification: Uncertain significance for Developmental and epileptic encephalopathy, 42; Episodic ataxia type 2. Last evaluated: 2023-01-01. Review status: criteria provided, single submitter. Criteria: Invitae Variant Classification Sherloc (09022015). Collection method: clinical testing. Allele origin: germline.
Comment: In summary, the available evidence is currently insufficient to determine the role of this variant in disease. Therefore, it has been classified as a Variant of Uncertain Significance. Advanced modeling of protein sequence and biophysical properties (such as structural, functional, and spatial information, amino acid conservation, physicochemical variation, residue mobility, and thermodynamic stability) performed at Invitae indicates that this missense variant is not expected to disrupt CACNA1A protein function. This variant has not been reported in the literature in individuals affected with CACNA1A-related conditions. This variant is not present in population databases (gnomAD no frequency). This sequence change replaces alanine, which is neutral and non-polar, with valine, which is neutral and non-polar, at codon 447 of the CACNA1A protein (p.Ala447Val).